The following is an entry in ClinVar:

NM_001394998.1(TANC2):c.2281dup (p.Tyr761fs)

Gene: TANC2 (tetratricopeptide repeat, ankyrin repeat and coiled-coil containing 2; plus strand). Cytogenetic location: 17q23.3.
Variant type: Duplication.
Coding change: c.2281dup on transcript NM_001394998.1 (MANE Select); coding-DNA position 2281, one base duplicated (T; older notation c.2281dupT).
Protein change: p.Tyr761fs; shifts the reading frame from tyrosine 761.
Molecular consequence: frameshift variant.
Genome position (GRCh38, 1-based): chr17:63,355,089, T duplicated; the last of 3 consecutive T bases (chr17:63,355,087-63,355,089); duplicating any one gives the same sequence. VCF-style (leftmost placement, unchanged base first): chr17-63355086-G-GT. GRCh37 (hg19) VCF-style: chr17-61432447-G-GT.
Other names: c.2059dup, p.Tyr687fs (NM_001411076.1, NM_025185.4); short protein forms Y761fs, Y687fs.
Identifiers: ClinVar variation 4995388 (VCV004995388.1).

ClinVar aggregate classification (germline): Likely pathogenic (1 of 4 stars; one submission).

Conditions:
TANC2-related disorder. Also called: TANC2-related condition.

Submission:

PreventionGenetics, part of Exact Sciences
Classification: Likely pathogenic for TANC2-related condition. Last evaluated: 2025-11-11. Review status: criteria provided, single submitter. Criteria: ACMG Guidelines, 2015. Collection method: clinical testing. Allele origin: germline.
Comment: The TANC2 c.2059dupT variant is predicted to result in a frameshift and premature protein termination (p.Tyr687Leufs*16). To our knowledge, this variant has not been reported in the literature or in a large population database (gnomAD), indicating this variant is rare. Frameshift variants in TANC2 are expected to be pathogenic. This variant is interpreted as likely pathogenic.